The following is an entry in ClinVar:

NM_015909.4(NBAS):c.4974G>T (p.Gln1658His)

Gene: NBAS (NBAS subunit of NRZ tethering complex; minus strand). Cytogenetic location: 2p24.3.
Variant type: single nucleotide variant.
Coding change: c.4974G>T on transcript NM_015909.4 (MANE Select); coding-DNA position 4974, G replaced by T.
Protein change: p.Gln1658His; replaces glutamine 1658 with histidine.
Molecular consequence: missense variant. On other transcripts: non-coding transcript variant (1).
Genome position (GRCh38, 1-based): chr2:15,292,590, C>A on the plus strand (G>T on the coding strand, the complement: NBAS is on the minus strand). VCF-style: chr2-15292590-C-A. GRCh37 (hg19) VCF-style: chr2-15432714-C-A.
Other names: short protein forms Q1658H.
Identifiers: ClinVar variation 2722102 (VCV002722102.4), dbSNP rs371186583, ClinGen allele CA1535438.

ClinVar aggregate classification (germline): Uncertain significance. Review status: criteria provided, multiple submitters, no conflicts (2 of 4 stars). 2 submissions from 2 submitters: Uncertain significance (2). Last evaluated 2025-11-10.

Conditions:
Growth failure in early childhood.

Allele frequency attached by ClinVar (database versions not stated): gnomAD 0.00001; TOPMed 0.00001; ESP Exome Variant Server 0.00008.
gnomAD v4.1: 3 of 1,614,094 alleles (0.00019%); highest among the groups gnomAD compares: Non-Finnish European, 0.00025%; no homozygotes.

Submissions (2):

Labcorp Genetics (formerly Invitae), Labcorp
Classification: Uncertain significance. Last evaluated: 2025-11-10. Review status: criteria provided, single submitter. Criteria: Invitae Variant Classification Sherloc (09022015). Collection method: clinical testing. Allele origin: germline.
Comment: This sequence change replaces glutamine, which is neutral and polar, with histidine, which is basic and polar, at codon 1658 of the NBAS protein (p.Gln1658His). This variant is present in population databases (rs371186583, gnomAD 0.002%). This variant has not been reported in the literature in individuals affected with NBAS-related conditions. ClinVar contains an entry for this variant (Variation ID: 2722102). Invitae Evidence Modeling of protein sequence and biophysical properties (such as structural, functional, and spatial information, amino acid conservation, physicochemical variation, residue mobility, and thermodynamic stability) indicates that this missense variant is not expected to disrupt NBAS protein function with a negative predictive value of 95%. In summary, the available evidence is currently insufficient to determine the role of this variant in disease. Therefore, it has been classified as a Variant of Uncertain Significance.

Cambridge Genomics Laboratory, East Genomic Laboratory Hub, NHS Genomic Medicine Service
Classification: Uncertain significance for Growth failure in early childhood. Last evaluated: 2024-09-10. Review status: criteria provided, single submitter. Criteria: ACGS Best Practice Guidelines for Variant Classification in Rare Disease 2020. Collection method: clinical testing. Allele origin: germline. Affected: yes.
Comment: PM2